The following is an entry in ClinVar:

NM_002667.5(PLN):c.3_4insAGT (p.Met1_Glu2insSer)

Genes: CEP85L (centrosomal protein 85L; minus strand), PLN (phospholamban; plus strand). Cytogenetic location: 6q22.31.
Variant type: Insertion.
Coding change: c.3_4insAGT on transcript NM_002667.5 (MANE Select); coding-DNA positions 3 to 4, AGT inserted.
Protein change: p.Met1_Glu2insSer.
Molecular consequence: intron variant (on NM_001042475.3).
Genome position: GRCh38 VCF-style: chr6-118558924-G-GAGT. GRCh37 (hg19) VCF-style: chr6-118880087-G-GAGT.
Other names: c.1029+6604_1029+6605insACT (NM_001178035.2); c.1020+6604_1020+6605insACT (NM_001042475.3, NM_206921.3).
Identifiers: ClinVar variation 3655537 (VCV003655537.2).

ClinVar aggregate classification (germline): Uncertain significance (1 of 4 stars; one submission).

Conditions:
Dilated cardiomyopathy 1P (CMD1P). Identifiers: Orphanet 154, MedGen C1835928, MONDO:0012362, OMIM 609909.

Submission:

Labcorp Genetics (formerly Invitae), Labcorp
Classification: Uncertain significance for Dilated cardiomyopathy 1P. Last evaluated: 2024-06-04. Review status: criteria provided, single submitter. Criteria: Invitae Variant Classification Sherloc (09022015). Collection method: clinical testing. Allele origin: germline.
Comment: This variant, c.3_4insAGT, results in the insertion of 1 amino acid(s) of the PLN protein (p.Met1_Glu2insSer), but otherwise preserves the integrity of the reading frame. This variant is not present in population databases (gnomAD no frequency). This variant has not been reported in the literature in individuals affected with PLN-related conditions. Experimental studies and prediction algorithms are not available or were not evaluated, and the functional significance of this variant is currently unknown. In summary, the available evidence is currently insufficient to determine the role of this variant in disease. Therefore, it has been classified as a Variant of Uncertain Significance.